The following is an entry in ClinVar:

ClinVar aggregate classification (germline): Uncertain significance (1 of 4 stars; one submission).

Submission:

Labcorp Genetics (formerly Invitae), Labcorp
Classification: Uncertain significance. Last evaluated: 2025-09-15. Review status: criteria provided, single submitter. Criteria: Invitae Variant Classification Sherloc (09022015). Collection method: clinical testing. Allele origin: germline.
Comment: This sequence change replaces glycine, which is neutral and non-polar, with arginine, which is basic and polar, at codon 881 of the ERBB2 protein (p.Gly881Arg). This variant is not present in population databases (gnomAD no frequency). This variant has not been reported in the literature in individuals affected with ERBB2-related conditions. ClinVar contains an entry for this variant (Variation ID: 3642852). Invitae Evidence Modeling of protein sequence and biophysical properties (such as structural, functional, and spatial information, amino acid conservation, physicochemical variation, residue mobility, and thermodynamic stability) indicates that this missense variant is not expected to disrupt ERBB2 protein function with a negative predictive value of 80%. In summary, the available evidence is currently insufficient to determine the role of this variant in disease. Therefore, it has been classified as a Variant of Uncertain Significance.

NM_004448.4(ERBB2):c.2641G>C (p.Gly881Arg)

Gene: ERBB2 (erb-b2 receptor tyrosine kinase 2; plus strand). Cytogenetic location: 17q12.
Variant type: single nucleotide variant.
Coding change: c.2641G>C on transcript NM_004448.4 (MANE Select); coding-DNA position 2641, G replaced by C.
Protein change: p.Gly881Arg; replaces glycine 881 with arginine.
Molecular consequence: missense variant. On other transcripts: non-coding transcript variant (1), intron variant (3).
Genome position (GRCh38, 1-based): chr17:39,725,196, G>C. VCF-style: chr17-39725196-G-C. GRCh37 (hg19) VCF-style: chr17-37881449-G-C.
Other names: c.2551G>C, p.Gly851Arg (NM_001005862.3, NM_001382782.1, NM_001382783.1); c.2596G>C, p.Gly866Arg (NM_001289936.2); c.2641G>C, p.Gly881Arg (NM_001289937.2, NM_001382796.1); c.2758G>C, p.Gly920Arg (NM_001382784.1); c.2743G>C, p.Gly915Arg (NM_001382785.1); c.2722G>C, p.Gly908Arg (NM_001382786.1); c.2716G>C, p.Gly906Arg (NM_001382787.1); c.2671G>C, p.Gly891Arg (NM_001382788.1); and 15 more; short protein forms G819R, G865R, G866R, G920R, G848R, G851R, G867R, G880R.
Identifiers: ClinVar variation 3642852 (VCV003642852.2).
Genomic context (GRCh38, chr17:39,725,196, plus strand): 5'-ATTACAGACTTCGGGCTGGCTCGGCTGCTGGACATTGACGAGACAGAGTACCATGCAGAT[G>C]GGGGCAAGGTTAGGTGAAGGACCAAGGAGCAGAGGAGGCTGGGTGGAGTGGTGTCTAGCC-3'
Protein context (NP_004439.2, residues 871-891): DIDETEYHAD[Gly881Arg]GKVPIKWMAL